The following is an entry in ClinVar:

ClinVar aggregate classification (germline): Benign/Likely benign. Review status: criteria provided, multiple submitters, no conflicts (2 of 4 stars). 2 submissions from 2 submitters: Benign (1); Likely benign (1). Last evaluated 2026-09-14.

Conditions:
Colorectal cancer, hereditary nonpolyposis, type 7. Identifiers: Orphanet 144, MedGen C1858380, MONDO:0013725, OMIM 614385.

gnomAD v4.1: 4 of 1,614,102 alleles (0.00025%); highest among the groups gnomAD compares: Non-Finnish European, 0.00034%; no homozygotes.

Submissions (2):

Myriad Genetics, Inc.
Classification: Benign for Colorectal cancer, hereditary nonpolyposis, type 7. Last evaluated: 2026-09-14. Review status: criteria provided, single submitter. Criteria: Myriad Autosomal Dominant, Autosomal Recessive and X-Linked Classification Criteria (2023). Collection method: clinical testing. Allele origin: unknown.
Comment: This variant is considered benign. This variant is a silent/synonymous amino acid change and it is not expected to impact splicing.

Ambry Genetics
Classification: Likely benign. Last evaluated: 2020-08-25. Review status: criteria provided, single submitter. Criteria: Ambry Variant Classification Scheme 2023. Collection method: clinical testing. Allele origin: germline.

NM_001040108.2(MLH3):c.2289G>A (p.Lys763=)

Gene: MLH3 (mutL homolog 3; minus strand). Cytogenetic location: 14q24.3.
Variant type: single nucleotide variant.
Coding change: c.2289G>A on transcript NM_001040108.2 (MANE Select); coding-DNA position 2289, G replaced by A.
Protein change: p.Lys763=; no amino-acid change (lysine 763 retained).
Molecular consequence: synonymous variant.
Genome position (GRCh38, 1-based): chr14:75,047,367, C>T on the plus strand (G>A on the coding strand, the complement: MLH3 is on the minus strand). VCF-style: chr14-75047367-C-T. GRCh37 (hg19) VCF-style: chr14-75514070-C-T.
Other names: c.2289G>A, p.Lys763= (NM_014381.3).
Identifiers: ClinVar variation 1789058 (VCV001789058.3), dbSNP rs1428119509, ClinGen allele CA487273110.